The following is an entry in ClinVar:

ClinVar aggregate classification (germline): Benign/Likely benign. Review status: criteria provided, multiple submitters, no conflicts (2 of 4 stars). 6 submissions from 6 submitters: Benign (2); Likely benign (4). Last evaluated 2026-01-06.

Conditions:
Hereditary cancer-predisposing syndrome. Also called: Hereditary neoplastic syndrome; Neoplastic Syndromes, Hereditary; Tumor predisposition; Hereditary Cancer Syndrome. Identifiers: Orphanet 140162, MedGen C0027672, MeSH D009386, MONDO:0015356.
Tuberous sclerosis 1 (TSC1). Identifiers: Orphanet 805, MedGen C1854465, MONDO:0008612, OMIM 191100.

Allele frequency attached by ClinVar (database versions not stated): gnomAD 0.00001; ExAC 0.00002; gnomAD exomes 0.00002; TOPMed 0.00002; 1000 Genomes Project 0.00020; 1000 Genomes Project 30x 0.00031.
gnomAD v4.1: 7 of 1,614,100 alleles (0.00043%); highest among the groups gnomAD compares: South Asian, 0.0044%; no homozygotes.

Submissions (6):

Labcorp Genetics (formerly Invitae), Labcorp
Classification: Likely benign for Tuberous sclerosis 1. Last evaluated: 2026-01-06. Review status: criteria provided, single submitter. Criteria: Invitae Variant Classification Sherloc (09022015). Collection method: clinical testing. Allele origin: germline.

Myriad Genetics, Inc.
Classification: Benign for Tuberous sclerosis 1. Last evaluated: 2025-04-08. Review status: criteria provided, single submitter. Criteria: Myriad Autosomal Dominant, Autosomal Recessive and X-Linked Classification Criteria (2023). Collection method: clinical testing. Allele origin: unknown.
Comment: This variant is considered benign. This variant is a silent/synonymous amino acid change and it is not expected to impact splicing.

Women's Health and Genetics/Laboratory Corporation of America, LabCorp
Classification: Likely benign. Last evaluated: 2024-05-24. Review status: criteria provided, single submitter. Criteria: LabCorp Variant Classification Summary - May 2015. Collection method: clinical testing. Allele origin: germline.

Ambry Genetics
Classification: Likely benign for Hereditary cancer-predisposing syndrome. Last evaluated: 2023-09-11. Review status: criteria provided, single submitter. Criteria: Ambry Variant Classification Scheme 2023. Collection method: clinical testing. Allele origin: germline.

Genome-Nilou Lab
Classification: Benign for Tuberous sclerosis 1. Last evaluated: 2021-11-07. Review status: criteria provided, single submitter. Criteria: ACMG Guidelines, 2015. Collection method: clinical testing. Allele origin: germline. Affected: no.

GeneDx
Classification: Likely benign. Last evaluated: 2019-08-14. Review status: criteria provided, single submitter. Criteria: GeneDx Variant Classification Process June 2021. Collection method: clinical testing. Allele origin: germline. Affected: yes.

NM_000368.5(TSC1):c.375C>T (p.Asp125=)

Gene: TSC1 (TSC complex subunit 1; minus strand). Cytogenetic location: 9q34.13.
Variant type: single nucleotide variant.
Coding change: c.375C>T on transcript NM_000368.5 (MANE Select); coding-DNA position 375, C replaced by T.
Protein change: p.Asp125=; no amino-acid change (aspartic acid 125 retained).
Molecular consequence: synonymous variant.
Genome position (GRCh38, 1-based): chr9:132,923,481, G>A on the plus strand (C>T on the coding strand, the complement: TSC1 is on the minus strand). VCF-style: chr9-132923481-G-A. GRCh37 (hg19) VCF-style: chr9-135798868-G-A.
Other names: c.222C>T, p.Asp74= (NM_001162427.2); c.12C>T, p.Asp4= (NM_001362177.2); c.375C>T, p.Asp125= (NM_001162426.2).
Identifiers: ClinVar variation 466141 (VCV000466141.20), dbSNP rs560863078, ClinGen allele CA037385.